The following is an entry in ClinVar:

NM_001370658.1(BTD):c.682A>C (p.Ile228Leu)

Gene: BTD (biotinidase; plus strand). Cytogenetic location: 3p25.1.
Variant type: single nucleotide variant.
Coding change: c.682A>C on transcript NM_001370658.1 (MANE Select); coding-DNA position 682, A replaced by C.
Protein change: p.Ile228Leu; replaces isoleucine 228 with leucine.
Molecular consequence: missense variant. On other transcripts: intron variant (1).
Genome position (GRCh38, 1-based): chr3:15,644,598, A>C. VCF-style: chr3-15644598-A-C. GRCh37 (hg19) VCF-style: chr3-15686105-A-C.
Other names: c.742A>C, p.Ile248Leu (NM_000060.4); c.682A>C, p.Ile228Leu (NM_001281723.4, NM_001281724.3, NM_001281725.3 and 18 more transcripts); c.399+2541A>C (NM_001370753.1); short protein forms I228L, I248L.
Identifiers: ClinVar variation 1004892 (VCV001004892.10), dbSNP rs398123140, ClinGen allele CA351607039.

ClinVar aggregate classification (germline): Likely pathogenic (1 of 4 stars; one submission).

Conditions:
Biotinidase deficiency. Also called: Biotin deficiency; BTD deficiency; Late-onset biotin-responsive multiple carboxylase deficiency. Identifiers: Orphanet 79241, MedGen C0220754, MONDO:0009665, OMIM 253260.

Submission:

Labcorp Genetics (formerly Invitae), Labcorp
Classification: Likely pathogenic for Biotinidase deficiency. Last evaluated: 2022-11-29. Review status: criteria provided, single submitter. Criteria: Invitae Variant Classification Sherloc (09022015). Collection method: clinical testing. Allele origin: germline.
Comment: This variant disrupts the p.Ile248 amino acid residue in BTD. Other variant(s) that disrupt this residue have been determined to be pathogenic (PMID: 22698809, 26810761). This suggests that this residue is clinically significant, and that variants that disrupt this residue are likely to be disease-causing. Advanced modeling of protein sequence and biophysical properties (such as structural, functional, and spatial information, amino acid conservation, physicochemical variation, residue mobility, and thermodynamic stability) performed at Invitae indicates that this missense variant is expected to disrupt BTD protein function. ClinVar contains an entry for this variant (Variation ID: 1004892). This missense change has been observed in individual(s) with biotinidase deficiency (Invitae). This variant is not present in population databases (gnomAD no frequency). This sequence change replaces isoleucine, which is neutral and non-polar, with leucine, which is neutral and non-polar, at codon 248 of the BTD protein (p.Ile248Leu). In summary, the currently available evidence indicates that the variant is pathogenic, but additional data are needed to prove that conclusively. Therefore, this variant has been classified as Likely Pathogenic.

Literature cited by the submitters: PubMed 22698809; PubMed 26810761.